The following is an entry in ClinVar:

ClinVar aggregate classification (germline): Uncertain significance (1 of 4 stars; one submission).

Conditions:
Arrhythmogenic cardiomyopathy with wooly hair and keratoderma. Also called: Carvajal syndrome; PALMOPLANTAR KERATODERMA WITH LEFT VENTRICULAR CARDIOMYOPATHY AND WOOLLY HAIR; Dilated cardiomyopathy with woolly hair and keratoderma; Arrhythmogenic cardiomyopathy with woolly hair and keratoderma. Identifiers: Orphanet 65282, MedGen C1854063, MONDO:0011581, OMIM 605676.

Submission:

All of Us Research Program, National Institutes of Health
Classification: Uncertain significance for Arrhythmogenic cardiomyopathy with wooly hair and keratoderma. Last evaluated: 2024-07-29. Review status: criteria provided, single submitter. Criteria: ACMG Guidelines, 2015. Collection method: clinical testing. Allele origin: germline. Inheritance: Autosomal dominant inheritance. Observed: 1 variant allele, 1 heterozygote.
Comment: This missense variant replaces valine with methionine at codon 704 of the DSP protein. Computational prediction suggests that this variant may not impact protein structure and function (internally defined REVEL score threshold <= 0.5, PMID: 27666373). To our knowledge, functional studies have not been reported for this variant. This variant has not been reported in individuals affected with DSP-related disorders in the literature. This variant has not been identified in the general population by the Genome Aggregation Database (gnomAD). The available evidence is insufficient to determine the role of this variant in disease conclusively. Therefore, this variant is classified as a Variant of Uncertain Significance.

This study involves interpretation of variants in research participants for the purpose of population health screening. Participant phenotype was not available at the time of variant classification. Additional details can be found in publication PMID: 35346344, PMCID: PMC8962531

NM_004415.4(DSP):c.2110G>A (p.Val704Met)

Gene: DSP (desmoplakin; plus strand). Cytogenetic location: 6p24.3.
Variant type: single nucleotide variant.
Coding change: c.2110G>A on transcript NM_004415.4 (MANE Select); coding-DNA position 2110, G replaced by A.
Protein change: p.Val704Met; replaces valine 704 with methionine.
Molecular consequence: missense variant.
Genome position (GRCh38, 1-based): chr6:7,572,048, G>A. VCF-style: chr6-7572048-G-A. GRCh37 (hg19) VCF-style: chr6-7572281-G-A.
Other names: c.2110G>A, p.Val704Met (NM_001008844.3, NM_001319034.2); short protein forms V704M.
Identifiers: ClinVar variation 3386638 (VCV003386638.1).